The following is an entry in ClinVar:

NM_032776.3(JMJD1C):c.2767A>C (p.Ile923Leu)

Gene: JMJD1C (jumonji domain containing 1C; minus strand). Cytogenetic location: 10q21.3.
Variant type: single nucleotide variant.
Coding change: c.2767A>C on transcript NM_032776.3 (MANE Select); coding-DNA position 2767, A replaced by C.
Protein change: p.Ile923Leu; replaces isoleucine 923 with leucine.
Molecular consequence: missense variant. On other transcripts: non-coding transcript variant (1).
Genome position (GRCh38, 1-based): chr10:63,209,163, T>G on the plus strand (A>C on the coding strand, the complement: JMJD1C is on the minus strand). VCF-style: chr10-63209163-T-G. GRCh37 (hg19) VCF-style: chr10-64968923-T-G.
Other names: c.2221A>C, p.Ile741Leu (NM_001282948.2, NM_001318154.2); c.1903A>C, p.Ile635Leu (NM_001318153.2); c.2653A>C, p.Ile885Leu (NM_001322252.2); c.2110A>C, p.Ile704Leu (NM_001322254.2, NM_001322258.2); short protein forms I635L, I741L, I704L, I923L, I885L.
Identifiers: ClinVar variation 2063161 (VCV002063161.4), dbSNP rs1847019059, ClinGen allele CA377043652.

ClinVar aggregate classification (germline): Uncertain significance (1 of 4 stars; one submission).

Conditions:
Early Myoclonic Encephalopathy. Identifiers: MedGen C0270855.

Allele frequency attached by ClinVar (database versions not stated): TOPMed below 0.00001; gnomAD 0.00001.
gnomAD v4.1: 2 of 1,613,894 alleles (0.00012%); highest among the groups gnomAD compares: African/African-American, 0.0027%; no homozygotes.

Submission:

Labcorp Genetics (formerly Invitae), Labcorp
Classification: Uncertain significance for Early Myoclonic Encephalopathy. Last evaluated: 2022-10-03. Review status: criteria provided, single submitter. Criteria: Invitae Variant Classification Sherloc (09022015). Collection method: clinical testing. Allele origin: germline.
Comment: This variant has not been reported in the literature in individuals affected with JMJD1C-related conditions. Advanced modeling of protein sequence and biophysical properties (such as structural, functional, and spatial information, amino acid conservation, physicochemical variation, residue mobility, and thermodynamic stability) performed at Invitae indicates that this missense variant is not expected to disrupt JMJD1C protein function. In summary, the available evidence is currently insufficient to determine the role of this variant in disease. Therefore, it has been classified as a Variant of Uncertain Significance. This variant is not present in population databases (gnomAD no frequency). This sequence change replaces isoleucine, which is neutral and non-polar, with leucine, which is neutral and non-polar, at codon 923 of the JMJD1C protein (p.Ile923Leu).